The following is an entry in ClinVar:

ClinVar aggregate classification (germline): Uncertain significance (1 of 4 stars; one submission).

Conditions:
Androgen resistance syndrome (AIS). Also called: Androgen insensitivity, complete; Androgen insensitivity syndrome; DHTR DEFICIENCY; ANDROGEN RECEPTOR DEFICIENCY; DIHYDROTESTOSTERONE RECEPTOR DEFICIENCY; TESTICULAR FEMINIZATION SYNDROME. Identifiers: Orphanet 754, Orphanet 99429, MedGen C0039585, MONDO:0019154, OMIM 300068. Disease mechanism: loss of function.
Kennedy disease (SMAX1). Also called: Spinal and Bulbar Muscular Atrophy; SPINAL AND BULBAR MUSCULAR ATROPHY, X-LINKED 1; KENNEDY SPINAL AND BULBAR MUSCULAR ATROPHY. Identifiers: Orphanet 481, MedGen C1839259, MONDO:0010735, OMIM 313200.

Submission:

Labcorp Genetics (formerly Invitae), Labcorp
Classification: Uncertain significance for Kennedy disease; Androgen resistance syndrome. Last evaluated: 2017-07-13. Review status: criteria provided, single submitter. Criteria: Invitae Variant Classification Sherloc (09022015). Collection method: clinical testing. Allele origin: germline.
Comment: In summary, the available evidence is currently insufficient to determine the role of this variant in disease. Therefore, it has been classified as a Variant of Uncertain Significance. Algorithms developed to predict the effect of missense changes on protein structure and function output the following: SIFT: "Tolerated"; PolyPhen-2: "Benign"; Align-GVGD: "Class C0". The alanine amino acid residue is found in multiple mammalian species, suggesting that this missense change does not adversely affect protein function. These predictions have not been confirmed by published functional studies and their clinical significance is uncertain. This variant has not been reported in the literature in individuals with AR-related disease. This variant is not present in population databases (ExAC no frequency). This sequence change replaces threonine with alanine at codon 317 of the AR protein (p.Thr317Ala). The threonine residue is weakly conserved and there is a small physicochemical difference between threonine and alanine.

NM_000044.6(AR):c.949A>G (p.Thr317Ala)

Gene: AR (androgen receptor; plus strand). Cytogenetic location: Xq12.
Variant type: single nucleotide variant.
Coding change: c.949A>G on transcript NM_000044.6 (MANE Select); coding-DNA position 949, A replaced by G.
Protein change: p.Thr317Ala; replaces threonine 317 with alanine.
Molecular consequence: missense variant. On other transcripts: 5 prime UTR variant (1).
Genome position (GRCh38, 1-based): chrX:67,546,095, A>G. VCF-style: chrX-67546095-A-G. GRCh37 (hg19) VCF-style: chrX-66765937-A-G.
Other names: c.-835A>G (NM_001011645.3); c.949A>G, p.Thr317Ala (NM_001348061.1, NM_001348063.1, NM_001348064.1); short protein forms T317A.
Identifiers: ClinVar variation 464804 (VCV000464804.8), dbSNP rs1555969722, ClinGen allele CA413425992.